The following is an entry in ClinVar:

NM_000287.4(PEX6):c.2261C>T (p.Ala754Val)

Gene: PEX6 (peroxisomal biogenesis factor 6; minus strand). Cytogenetic location: 6p21.1.
Variant type: single nucleotide variant.
Coding change: c.2261C>T on transcript NM_000287.4 (MANE Select); coding-DNA position 2261, C replaced by T.
Protein change: p.Ala754Val; replaces alanine 754 with valine.
Molecular consequence: missense variant.
Genome position (GRCh38, 1-based): chr6:42,966,281, G>A on the plus strand (C>T on the coding strand, the complement: PEX6 is on the minus strand). VCF-style: chr6-42966281-G-A. GRCh37 (hg19) VCF-style: chr6-42934019-G-A.
Other names: c.1997C>T, p.Ala666Val (NM_001316313.2); short protein forms A666V, A754V.
Identifiers: ClinVar variation 1975243 (VCV001975243.5), dbSNP rs747879192, ClinGen allele CA3811091.

ClinVar aggregate classification (germline): Uncertain significance (1 of 4 stars; one submission).

Conditions:
Peroxisome biogenesis disorder. Identifiers: Orphanet 79189, MedGen C1832200, MONDO:0019234. Disease mechanism: loss of function.

Allele frequency attached by ClinVar (database versions not stated): ExAC 0.00001; gnomAD exomes 0.00001.
gnomAD v4.1: 3 of 1,612,230 alleles (0.00019%); highest among the groups gnomAD compares: Admixed American, 0.0033%; no homozygotes.

Submission:

Labcorp Genetics (formerly Invitae), Labcorp
Classification: Uncertain significance for Peroxisome biogenesis disorder. Last evaluated: 2022-03-01. Review status: criteria provided, single submitter. Criteria: Invitae Variant Classification Sherloc (09022015). Collection method: clinical testing. Allele origin: germline.
Comment: Algorithms developed to predict the effect of missense changes on protein structure and function (SIFT, PolyPhen-2, Align-GVGD) all suggest that this variant is likely to be disruptive. This sequence change replaces alanine, which is neutral and non-polar, with valine, which is neutral and non-polar, at codon 754 of the PEX6 protein (p.Ala754Val). This variant is present in population databases (rs747879192, gnomAD 0.006%). This variant has not been reported in the literature in individuals affected with PEX6-related conditions. In summary, the available evidence is currently insufficient to determine the role of this variant in disease. Therefore, it has been classified as a Variant of Uncertain Significance.